The following is an entry in ClinVar:

NM_013390.3(CEMIP2):c.3956-20dup

Gene: CEMIP2 (cell migration inducing hyaluronidase 2; minus strand). Cytogenetic location: 9q21.13.
Variant type: Duplication.
Coding change: c.3956-20dup on transcript NM_013390.3 (MANE Select); 20 bases into the intron before coding-DNA position 3956, one base duplicated (T; older notation c.3956-20dupT).
Molecular consequence: intron variant.
Genome position (GRCh38, 1-based): chr9:71,685,396, A duplicated on the plus strand (T on the coding strand, the reverse complement: CEMIP2 is on the minus strand); the first of 18 consecutive A bases (chr9:71,685,396-71,685,413); duplicating any one gives the same sequence. VCF-style (leftmost placement, unchanged base first): chr9-71685395-T-TA. GRCh37 (hg19) VCF-style: chr9-74300311-T-TA.
Other names: c.3767-20dup (NM_001135820.2); c.2042-20dup (NM_001349784.2).
Identifiers: ClinVar variation 403552 (VCV000403552.4), dbSNP rs36080695, ClinGen allele CA5079225.

ClinVar aggregate classification (germline): Benign (1 of 4 stars; one submission).

Submission:

Laboratory for Molecular Medicine, Mass General Brigham Personalized Medicine
Classification: Benign. Last evaluated: 2016-03-29. Review status: criteria provided, single submitter. Criteria: LMM Criteria. Collection method: clinical testing. Allele origin: germline.
Comment: Variant identified in a genome or exome case(s) and assessed due to predicted null impact of the variant or pathogenic assertions in the literature or databases. Disclaimer: This variant has not undergone full assessment. The following are preliminary notes: Frequency